The following is an entry in ClinVar:

NM_000257.4(MYH7):c.4631T>C (p.Leu1544Pro)

Genes: MHRT (myosin heavy chain associated RNA transcript; plus strand), MYH7 (myosin heavy chain 7; minus strand). Cytogenetic location: 14q11.2.
Variant type: single nucleotide variant.
Coding change: c.4631T>C on transcript NM_000257.4 (MANE Select); coding-DNA position 4631, T replaced by C.
Protein change: p.Leu1544Pro; replaces leucine 1544 with proline.
Molecular consequence: missense variant.
Genome position (GRCh38, 1-based): chr14:23,416,881, A>G on the plus strand (T>C on the coding strand, the complement: MYH7 is on the minus strand). VCF-style: chr14-23416881-A-G. GRCh37 (hg19) VCF-style: chr14-23886090-A-G.
Other names: short protein forms L1544P.
Identifiers: ClinVar variation 931118 (VCV000931118.11), dbSNP rs1892234748, ClinGen allele CA389037985.
Genomic context (GRCh38, chr14:23,416,881, plus strand): 5'-GCCTGGAGCTCAGCTCCCTGCACCCCGTGCCCTGCACACACACACACCTCGGCCTCCTCC[A>G]GGGCTGACTGCAGCTCCATCTTCTCGGCCTCCAGCTGCTTTCGGACCTTCTCCAGCTCAT-3'
Protein context (NP_000248.2, residues 1534-1554): EAEKMELQSA[Leu1544Pro]EEAEASLEHE

ClinVar aggregate classification (germline): Uncertain significance. Review status: criteria provided, multiple submitters, no conflicts (2 of 4 stars). 2 submissions from 2 submitters: Uncertain significance (2). Last evaluated 2022-02-24.

Conditions:
Congenital myopathy with fiber type disproportion. Also called: Congenital fiber-type disproportion; Congenital fiber-type disproportion myopathy. Identifiers: Orphanet 2020, MedGen C0546264, MONDO:0009711. Inheritance: all.
Hypertrophic cardiomyopathy. Also called: HYPERTROPHIC MYOCARDIOPATHY. Identifiers: Orphanet 217569, MedGen C0007194, MeSH D002312, MONDO:0005045, HP:0001639.

Submissions (2):

Labcorp Genetics (formerly Invitae), Labcorp
Classification: Uncertain significance for Hypertrophic cardiomyopathy. Last evaluated: 2022-02-24. Review status: criteria provided, single submitter. Criteria: Invitae Variant Classification Sherloc (09022015). Collection method: clinical testing. Allele origin: germline.
Comment: In summary, the available evidence is currently insufficient to determine the role of this variant in disease. Therefore, it has been classified as a Variant of Uncertain Significance. Algorithms developed to predict the effect of missense changes on protein structure and function are either unavailable or do not agree on the potential impact of this missense change (SIFT: "Deleterious"; PolyPhen-2: "Probably Damaging"; Align-GVGD: "Class C0"). ClinVar contains an entry for this variant (Variation ID: 931118). This variant has not been reported in the literature in individuals affected with MYH7-related conditions. This variant is not present in population databases (gnomAD no frequency). This sequence change replaces leucine, which is neutral and non-polar, with proline, which is neutral and non-polar, at codon 1544 of the MYH7 protein (p.Leu1544Pro).

Centre for Mendelian Genomics, University Medical Centre Ljubljana
Classification: Uncertain significance for Congenital myopathy 4A, autosomal dominant. Last evaluated: 2019-05-06. Review status: criteria provided, single submitter. Criteria: ACMG Guidelines, 2015. Collection method: clinical testing. Allele origin: unknown. Affected: yes.
Comment: This variant was classified as: Uncertain significance. The available evidence favors the pathogenic nature of this variant, however the currently available data is insufficient to conclusively support its pathogenic nature. Thus this variant is classified as Uncertain significance - favor pathogenic. The following ACMG criteria were applied in classifying this variant: PM2,PP3.